The following is an entry in ClinVar:

ClinVar aggregate classification (germline): Uncertain significance. Review status: criteria provided, multiple submitters, no conflicts (2 of 4 stars). 2 submissions from 2 submitters: Uncertain significance (2). Last evaluated 2024-03-31.

Allele frequency attached by ClinVar (database versions not stated): gnomAD exomes below 0.00001.
gnomAD v4.1: 3 of 1,614,040 alleles (0.00019%); highest among the groups gnomAD compares: Non-Finnish European, 0.00025%; no homozygotes.

Submissions (2):

Ambry Genetics
Classification: Uncertain significance. Last evaluated: 2024-03-31. Review status: criteria provided, single submitter. Criteria: Ambry Variant Classification Scheme 2023. Collection method: clinical testing. Allele origin: germline.
Comment: The p.V591L variant (also known as c.1771G>C), located in coding exon 12 of the RINT1 gene, results from a G to C substitution at nucleotide position 1771. The valine at codon 591 is replaced by leucine, an amino acid with highly similar properties. This amino acid position is conserved. In addition, this alteration is predicted to be tolerated by in silico analysis. Since supporting evidence is limited at this time, the clinical significance of this alteration remains unclear.

Labcorp Genetics (formerly Invitae), Labcorp
Classification: Uncertain significance. Last evaluated: 2023-10-19. Review status: criteria provided, single submitter. Criteria: Invitae Variant Classification Sherloc (09022015). Collection method: clinical testing. Allele origin: germline.
Comment: This sequence change replaces valine, which is neutral and non-polar, with leucine, which is neutral and non-polar, at codon 591 of the RINT1 protein (p.Val591Leu). This variant is not present in population databases (gnomAD no frequency). This variant has not been reported in the literature in individuals affected with RINT1-related conditions. ClinVar contains an entry for this variant (Variation ID: 410786). An algorithm developed to predict the effect of missense changes on protein structure and function (PolyPhen-2) suggests that this variant is likely to be tolerated. In summary, the available evidence is currently insufficient to determine the role of this variant in disease. Therefore, it has been classified as a Variant of Uncertain Significance.

NM_021930.6(RINT1):c.1771G>C (p.Val591Leu)

Gene: RINT1 (RAD50 interactor 1; plus strand). Cytogenetic location: 7q22.3.
Variant type: single nucleotide variant.
Coding change: c.1771G>C on transcript NM_021930.6 (MANE Select); coding-DNA position 1771, G replaced by C.
Protein change: p.Val591Leu; replaces valine 591 with leucine.
Molecular consequence: missense variant. On other transcripts: non-coding transcript variant (1).
Genome position (GRCh38, 1-based): chr7:105,563,832, G>C. VCF-style: chr7-105563832-G-C. GRCh37 (hg19) VCF-style: chr7-105204279-G-C.
Other names: c.1537G>C, p.Val513Leu (NM_001346599.2); c.748G>C, p.Val250Leu (NM_001346600.2, NM_001346603.2); c.847G>C, p.Val283Leu (NM_001346601.2); short protein forms V591L, V283L, V250L, V513L.
Identifiers: ClinVar variation 410786 (VCV000410786.13), dbSNP rs1060503045, ClinGen allele CA16612126.
Genomic context (GRCh38, chr7:105,563,832, plus strand): 5'-GCAGAGAATAATACTCTGAGTAAATTGCAGCTAGGACAGCTAGCCTCTATGGAGAGCTCT[G>C]TCTTTGATGACATGATTAACCTCTTAGAACGTTTAAAGCATGATATGTTGACCCGTCAAG-3'
Protein context (NP_068749.3, residues 581-601): LGQLASMESS[Val591Leu]FDDMINLLER